The following is an entry in ClinVar:

NM_016247.4(IMPG2):c.2481del (p.Glu828fs)

Gene: IMPG2 (interphotoreceptor matrix proteoglycan 2; minus strand). Cytogenetic location: 3q12.3.
Variant type: Deletion.
Coding change: c.2481del on transcript NM_016247.4 (MANE Select); coding-DNA position 2481, one base deleted (A; older notation c.2481delA).
Protein change: p.Glu828fs; shifts the reading frame from glutamic acid 828.
Molecular consequence: frameshift variant.
Genome position (GRCh38, 1-based): chr3:101,243,850, T deleted on the plus strand (A on the coding strand, the reverse complement: IMPG2 is on the minus strand). VCF-style (leftmost placement, unchanged base first): chr3-101243849-CT-C. GRCh37 (hg19) VCF-style: chr3-100962693-CT-C.
Other names: short protein forms E828fs.
Identifiers: ClinVar variation 2019860 (VCV002019860.4), dbSNP rs2508942846, ClinGen allele CA2580068554.

ClinVar aggregate classification (germline): Pathogenic (1 of 4 stars; one submission).

Submission:

Labcorp Genetics (formerly Invitae), Labcorp
Classification: Pathogenic. Last evaluated: 2022-07-27. Review status: criteria provided, single submitter. Criteria: Invitae Variant Classification Sherloc (09022015). Collection method: clinical testing. Allele origin: germline.
Comment: For these reasons, this variant has been classified as Pathogenic. This variant has not been reported in the literature in individuals affected with IMPG2-related conditions. This variant is not present in population databases (gnomAD no frequency). This sequence change creates a premature translational stop signal (p.Glu828Argfs*4) in the IMPG2 gene. It is expected to result in an absent or disrupted protein product. Loss-of-function variants in IMPG2 are known to be pathogenic (PMID: 20673862).

Literature cited by the submitters: PubMed 20673862.